The following is an entry in ClinVar:

ClinVar aggregate classification (germline): Uncertain significance (1 of 4 stars; one submission).

Conditions:
Gorlin syndrome. Also called: Nevoid Basal Cell Carcinoma Syndrome; Basal cell nevus syndrome. Identifiers: Orphanet 377, MedGen C0004779, MONDO:0007187.

Allele frequency attached by ClinVar (database versions not stated): gnomAD exomes 0.00001.
gnomAD v4.1: 9 of 1,613,744 alleles (0.00056%); highest among the groups gnomAD compares: Non-Finnish European, 0.00076%; no homozygotes.

Submission:

Labcorp Genetics (formerly Invitae), Labcorp
Classification: Uncertain significance for Gorlin syndrome. Last evaluated: 2023-12-01. Review status: criteria provided, single submitter. Criteria: Invitae Variant Classification Sherloc (09022015). Collection method: clinical testing. Allele origin: germline.
Comment: This sequence change falls in intron 21 of the PTCH2 gene. It does not directly change the encoded amino acid sequence of the PTCH2 protein. It affects a nucleotide within the consensus splice site. This variant is not present in population databases (gnomAD no frequency). This variant has not been reported in the literature in individuals affected with PTCH2-related conditions. Variants that disrupt the consensus splice site are a relatively common cause of aberrant splicing (PMID: 17576681, 9536098). Algorithms developed to predict the effect of sequence changes on RNA splicing suggest that this variant may disrupt the consensus splice site. In summary, the available evidence is currently insufficient to determine the role of this variant in disease. Therefore, it has been classified as a Variant of Uncertain Significance.

Literature cited by the submitters: PubMed 17576681; PubMed 9536098.

NM_003738.5(PTCH2):c.3358-3C>T

Gene: PTCH2 (patched 2; minus strand). Cytogenetic location: 1p34.1.
Variant type: single nucleotide variant.
Coding change: c.3358-3C>T on transcript NM_003738.5 (MANE Select); 3 bases into the intron before coding-DNA position 3358, C replaced by T.
Molecular consequence: intron variant.
Genome position (GRCh38, 1-based): chr1:44,822,672, G>A on the plus strand (C>T on the coding strand, the complement: PTCH2 is on the minus strand). VCF-style: chr1-44822672-G-A. GRCh37 (hg19) VCF-style: chr1-45288344-G-A.
Other names: c.3358-3C>T (NM_001166292.2).
Identifiers: ClinVar variation 2832399 (VCV002832399.3), dbSNP rs2521919279, ClinGen allele CA2645347820.
Genomic context (GRCh38, chr1:44,822,672, plus strand): 5'-CTCCCTGTGGAGCTGGTGGACTCAGGATCTCTGGGCTTTCCTTGTACATCTGTATCACCT[G>A]TGGGGAGACACCAGCCCCAGTAAGCCCACGGGCCCCTGGGGCTCCCGTCCCCTTTAGCAT-3'